The following is an entry in ClinVar:

ClinVar aggregate classification (germline): Pathogenic (1 of 4 stars; one submission).

Conditions:
Marfan syndrome (MFS). Also called: FBN1-Related Marfan Syndrome; MARFAN SYNDROME, TYPE I; Marfan syndrome type 1; Marfan's syndrome; Marfan syndrome, classic. Identifiers: Orphanet 284963, Orphanet 558, MedGen C0024796, MONDO:0007947, OMIM 154700.
Familial thoracic aortic aneurysm and aortic dissection (TAAD). Also called: Thoracic aortic aneurysms and dissections. Identifiers: Orphanet 91387, MedGen C4707243, MONDO:0019625.

Submission:

Labcorp Genetics (formerly Invitae), Labcorp
Classification: Pathogenic for Marfan syndrome; Familial thoracic aortic aneurysm and aortic dissection. Last evaluated: 2025-10-28. Review status: criteria provided, single submitter. Criteria: Invitae Variant Classification Sherloc (09022015). Collection method: clinical testing. Allele origin: germline.
Comment: This sequence change replaces cysteine, which is neutral and slightly polar, with serine, which is neutral and polar, at codon 499 of the FBN1 protein (p.Cys499Ser). This variant is not present in population databases (gnomAD no frequency). This missense change has been observed in individuals with FBN1-related conditions (PMID: 18471089, 28855619). Invitae Evidence Modeling of protein sequence and biophysical properties (such as structural, functional, and spatial information, amino acid conservation, physicochemical variation, residue mobility, and thermodynamic stability) indicates that this missense variant is expected to disrupt FBN1 protein function with a positive predictive value of 95%. This variant affects a cysteine residue in the EGF-like, TGFBP or hybrid motif domains of FBN1. Cysteine residues are believed to be involved in intramolecular disulfide bridges and have been shown to be important for FBN1 protein structure (PMID: 16905551, 19349279). In addition, missense substitutions affecting cysteine residues within these domains are significantly overrepresented among patients with Marfan syndrome (PMID: 16571647, 17701892). For these reasons, this variant has been classified as Pathogenic.

Literature cited by the submitters: PubMed 18471089; PubMed 28855619; PubMed 16905551; PubMed 19349279; PubMed 16571647; PubMed 17701892.

NM_000138.5(FBN1):c.1496G>C (p.Cys499Ser)

Gene: FBN1 (fibrillin 1; minus strand). Cytogenetic location: 15q21.1.
Variant type: single nucleotide variant.
Coding change: c.1496G>C on transcript NM_000138.5 (MANE Select); coding-DNA position 1496, G replaced by C.
Protein change: p.Cys499Ser; replaces cysteine 499 with serine.
Molecular consequence: missense variant.
Genome position (GRCh38, 1-based): chr15:48,513,641, C>G on the plus strand (G>C on the coding strand, the complement: FBN1 is on the minus strand). VCF-style: chr15-48513641-C-G. GRCh37 (hg19) VCF-style: chr15-48805838-C-G.
Other names: c.1496G>C, p.Cys499Ser (NM_001406716.1); short protein forms C499S.
Identifiers: ClinVar variation 4783806 (VCV004783806.1).
Genomic context (GRCh38, chr15:48,513,641, plus strand): 5'-TATCCAGCTCGGCACTGACAGGTGTACGAACCCTGGTTGTTAATACACTCACCACCAGCA[C>G]AGGGGTTTTTCTCACATTCATCAACATCTGCAAAGCACAATGTATTTTAGTGCAAAATTA-3'
Protein context (NP_000129.3, residues 489-509): IDVDECEKNP[Cys499Ser]AGGECINNQG